The following is an entry in ClinVar:

ClinVar aggregate classification (germline): Uncertain significance (1 of 4 stars; one submission).

Conditions:
Malignant hyperthermia, susceptibility to, 1 (MHS1). Also called: RYR1-Related Malignant Hyperthermia Susceptibility; Malignant hyperthermia suceptibility 1; Anesthesia related hyperthermia; Malignant hyperpyrexia; Fulminating hyperpyrexia; Pharmacogenic myopathy. Identifiers: Orphanet 423, MedGen C2930980, MONDO:0007783, OMIM 145600.

Submission:

Color Diagnostics, LLC DBA Color Health
Classification: Uncertain significance for Malignant hyperthermia, susceptibility to, 1. Last evaluated: 2025-11-11. Review status: criteria provided, single submitter. Criteria: ACMG Guidelines, 2015. Collection method: clinical testing. Allele origin: germline.
Comment: This variant deletes 2 nucleotides in exon 47 of the RYR1 gene, creating a frameshift and premature translation stop signal. This variant is expected to result in an absent or non-functional protein product. To our knowledge, this variant has not been reported in individuals affected with RYR1-related disorders in the literature. This variant has not been identified in the general population by the Genome Aggregation Database (gnomAD). Loss of RYR1 gene function is not an established disease mechanism for autosomal dominant malignant hyperthermia susceptibility. The available evidence is insufficient to determine the role of this variant in autosomal dominant malignant hyperthermia susceptibility conclusively. Therefore, this variant is classified as a Variant of Uncertain Significance.

NM_000540.3(RYR1):c.7527_7528del (p.Tyr2510fs)

Gene: RYR1 (ryanodine receptor 1; plus strand). Cytogenetic location: 19q13.2.
Variant type: Microsatellite.
Coding change: c.7527_7528del on transcript NM_000540.3 (MANE Select); coding-DNA positions 7527 to 7528, 2 bases deleted (GT; older notation c.7527_7528delGT).
Protein change: p.Tyr2510fs; shifts the reading frame from tyrosine 2510.
Molecular consequence: frameshift variant.
Genome position (GRCh38, 1-based): chr19:38,500,903-38,500,904, GT deleted; deleting any 2 consecutive bases within chr19:38,500,899-38,500,904 gives the same sequence; the c. name uses the placement nearest the transcript's 3' end. VCF-style (leftmost placement, unchanged base first): chr19-38500898-CGT-C. GRCh37 (hg19) VCF-style: chr19-38991538-CGT-C.
Other names: c.7527_7528del, p.Tyr2510fs (NM_001042723.2); short protein forms Y2510fs.
Identifiers: ClinVar variation 4758294 (VCV004758294.1).